The following is an entry in ClinVar:

NM_002858.4(ABCD3):c.1030C>T (p.Arg344Ter)

Gene: ABCD3 (ATP binding cassette subfamily D member 3; plus strand). Cytogenetic location: 1p21.3.
Variant type: single nucleotide variant.
Coding change: c.1030C>T on transcript NM_002858.4 (MANE Select); coding-DNA position 1030, C replaced by T.
Protein change: p.Arg344Ter; replaces arginine 344 with a stop codon.
Molecular consequence: nonsense.
Genome position (GRCh38, 1-based): chr1:94,487,756, C>T. VCF-style: chr1-94487756-C-T. GRCh37 (hg19) VCF-style: chr1-94953312-C-T.
Other names: short protein forms R344*.
Identifiers: ClinVar variation 2699968 (VCV002699968.3), dbSNP rs1214023374, ClinGen allele CA341303617.

ClinVar aggregate classification (germline): Uncertain significance (1 of 4 stars; one submission).

gnomAD v4.1: 3 of 1,613,898 alleles (0.00019%); highest among the groups gnomAD compares: Non-Finnish European, 0.00025%; no homozygotes.

Submission:

Labcorp Genetics (formerly Invitae), Labcorp
Classification: Uncertain significance. Last evaluated: 2024-05-08. Review status: criteria provided, single submitter. Criteria: Invitae Variant Classification Sherloc (09022015). Collection method: clinical testing. Allele origin: germline.
Comment: This sequence change creates a premature translational stop signal (p.Arg344*) in the ABCD3 gene. It is expected to result in an absent or disrupted protein product. However, the current clinical and genetic evidence is not sufficient to establish whether loss-of-function variants in ABCD3 cause disease. This variant is not present in population databases (gnomAD no frequency). This variant has not been reported in the literature in individuals affected with ABCD3-related conditions. Algorithms developed to predict the effect of sequence changes on RNA splicing suggest that this variant may disrupt the consensus splice site. In summary, the available evidence is currently insufficient to determine the role of this variant in disease. Therefore, it has been classified as a Variant of Uncertain Significance.